The following is an entry in ClinVar:

ClinVar aggregate classification (germline): Likely benign. Review status: criteria provided, single submitter (1 of 4 stars). 2 submissions from 2 submitters: Likely benign (1). 1 of the submissions does not count toward it. Last evaluated 2025-12-11.

Conditions:
KLHL41-related disorder. Also called: KLHL41-related condition.
Nemaline myopathy 9 (NEM9). Identifiers: MedGen C3810384, MONDO:0014326, OMIM 615731.

Allele frequency attached by ClinVar (database versions not stated): TOPMed 0.00001; gnomAD 0.00005; 1000 Genomes Project 0.00020; ExAC 0.00021; gnomAD exomes 0.00023; 1000 Genomes Project 30x 0.00031.

Submissions (2):

Labcorp Genetics (formerly Invitae), Labcorp
Classification: Likely benign for Nemaline myopathy 9. Last evaluated: 2025-12-11. Review status: criteria provided, single submitter. Criteria: Invitae Variant Classification Sherloc (09022015). Collection method: clinical testing. Allele origin: germline.

PreventionGenetics, part of Exact Sciences
Classification: Likely benign for KLHL41-related condition. Last evaluated: 2022-11-16. Review status: no assertion criteria provided. Collection method: clinical testing. Allele origin: germline. Not counted in ClinVar's aggregate classification.
Comment: This variant is classified as likely benign based on ACMG/AMP sequence variant interpretation guidelines (Richards et al. 2015 PMID: 25741868, with internal and published modifications).

NM_006063.3(KLHL41):c.1756C>T (p.Arg586Cys)

Gene: KLHL41 (kelch like family member 41; plus strand). Cytogenetic location: 2q31.1.
Variant type: single nucleotide variant.
Coding change: c.1756C>T on transcript NM_006063.3 (MANE Select); coding-DNA position 1756, C replaced by T.
Protein change: p.Arg586Cys; replaces arginine 586 with cysteine.
Molecular consequence: missense variant.
Genome position (GRCh38, 1-based): chr2:169,525,631, C>T. VCF-style: chr2-169525631-C-T. GRCh37 (hg19) VCF-style: chr2-170382141-C-T.
Other names: c.1756C>T (NM_006063.2); short protein forms R586C.
Identifiers: ClinVar variation 1145398 (VCV001145398.11), dbSNP rs28763871, ClinGen allele CA1956756.